The following is an entry in ClinVar:

NM_001323289.2(CDKL5):c.113T>G (p.Ile38Ser)

Gene: CDKL5 (cyclin dependent kinase like 5; plus strand). Cytogenetic location: Xp22.13.
Variant type: single nucleotide variant.
Coding change: c.113T>G on transcript NM_001323289.2 (MANE Select); coding-DNA position 113, T replaced by G.
Protein change: p.Ile38Ser; replaces isoleucine 38 with serine.
Molecular consequence: missense variant.
Genome position (GRCh38, 1-based): chrX:18,564,490, T>G. VCF-style: chrX-18564490-T-G. GRCh37 (hg19) VCF-style: chrX-18582610-T-G.
Other names: c.113T>G, p.Ile38Ser (NM_001037343.2, NM_003159.3); short protein forms I38S.
Identifiers: ClinVar variation 431806 (VCV000431806.2), dbSNP rs1555947847, ClinGen allele CA412346687.

ClinVar aggregate classification (germline): Likely pathogenic (1 of 4 stars; one submission).

Submission:

GeneDx
Classification: Likely pathogenic. Last evaluated: 2014-12-17. Review status: criteria provided, single submitter. Criteria: GeneDx Variant Classification (06012015). Collection method: clinical testing. Allele origin: germline. Affected: yes.
Comment: A novel I38S variant that is likely pathogenic has been identified in the CDKL5 gene. The I38S variant has not been published as pathogenic, nor has it been reported as a benign polymorphism to our knowledge. It was not observed in approximately 6,500 individuals of European and African American ancestry in an external variant database, indicating it is not a common benign variant in these populations. The I38S variant is a non-conservative amino acid substitution, which is likely to impact secondary protein structure as these residues differ in polarity, charge, size and/or other properties. This substitution occurs at a position that is conserved across species, and in silico analysis predicts this variant is probably damaging to the protein structure/function. Missense variants in nearby residues (A40V and K45Q) have been reported in the Human Gene Mutation Database in association with CDKL5-related disorders (Stenson et al., 2014), supporting the functional importance of this region of the protein. Therefore, this variant is a strong candidate for a pathogenic variant, however the possibility that it is a benign variant cannot be excluded.